The following is an entry in ClinVar:

NM_015158.5(KANK1):c.2239G>C (p.Gly747Arg)

Gene: KANK1 (KN motif and ankyrin repeat domains 1; plus strand). Cytogenetic location: 9p24.3.
Variant type: single nucleotide variant.
Coding change: c.2239G>C on transcript NM_015158.5 (MANE Select); coding-DNA position 2239, G replaced by C.
Protein change: p.Gly747Arg; replaces glycine 747 with arginine.
Molecular consequence: missense variant. On other transcripts: non-coding transcript variant (1).
Genome position (GRCh38, 1-based): chr9:713,005, G>C. VCF-style: chr9-713005-G-C. GRCh37 (hg19) VCF-style: chr9-713005-G-C.
Other names: c.2239G>C, p.Gly747Arg (NM_001256876.3, NM_001256877.3, NM_001354331.2 and 2 more transcripts); c.1765G>C, p.Gly589Arg (NM_001354333.2, NM_001354335.2, NM_001354336.2 and 9 more transcripts); c.2239G>C (NM_015158.2); short protein forms G589R, G747R.
Identifiers: ClinVar variation 1987544 (VCV001987544.5), dbSNP rs373020730, ClinGen allele CA187838207.

ClinVar aggregate classification (germline): Uncertain significance. Review status: criteria provided, multiple submitters, no conflicts (2 of 4 stars). 2 submissions from 2 submitters: Uncertain significance (2). Last evaluated 2025-09-10.

Allele frequency attached by ClinVar (database versions not stated): gnomAD exomes below 0.00001; gnomAD 0.00001; TOPMed 0.00004; ESP Exome Variant Server 0.00008.
gnomAD v4.1: 11 of 1,614,178 alleles (0.00068%); highest among the groups gnomAD compares: African/African-American, 0.0053%; no homozygotes.

Submissions (2):

Ambry Genetics
Classification: Uncertain significance. Last evaluated: 2025-09-10. Review status: criteria provided, single submitter. Criteria: Ambry Variant Classification Scheme 2023. Collection method: clinical testing. Allele origin: germline.

Labcorp Genetics (formerly Invitae), Labcorp
Classification: Uncertain significance. Last evaluated: 2022-05-12. Review status: criteria provided, single submitter. Criteria: Invitae Variant Classification Sherloc (09022015). Collection method: clinical testing. Allele origin: germline.
Comment: This sequence change replaces glycine, which is neutral and non-polar, with arginine, which is basic and polar, at codon 747 of the KANK1 protein (p.Gly747Arg). This variant is not present in population databases (gnomAD no frequency). This variant has not been reported in the literature in individuals affected with KANK1-related conditions. Algorithms developed to predict the effect of missense changes on protein structure and function (SIFT, PolyPhen-2, Align-GVGD) all suggest that this variant is likely to be tolerated. In summary, the available evidence is currently insufficient to determine the role of this variant in disease. Therefore, it has been classified as a Variant of Uncertain Significance.